The following is an entry in ClinVar:

ClinVar aggregate classification (germline): Uncertain significance (1 of 4 stars; one submission).

Conditions:
Osteosclerotic metaphyseal dysplasia (OSMD). Identifiers: Orphanet 500548, MedGen C3554665, MONDO:0014080, OMIM 615198.

gnomAD v4.1: 6 of 1,613,972 alleles (0.00037%); highest among the groups gnomAD compares: African/African-American, 0.0013%; no homozygotes.

Submission:

Laboratorio de Genetica e Diagnostico Molecular, Hospital Israelita Albert Einstein
Classification: Uncertain significance for Osteosclerotic metaphyseal dysplasia. Last evaluated: 2026-01-27. Review status: criteria provided, single submitter. Criteria: ACMG Guidelines, 2015. Collection method: clinical testing. Allele origin: germline. Affected: yes.
Comment: ACMG classification criteria: PM2 supporting, PM3 supporting, PP3 supporting

NM_024652.6(LRRK1):c.4532C>T (p.Pro1511Leu)

Genes: LRRK1 (leucine rich repeat kinase 1; plus strand), LRRK1-AS1 (LRRK1 antisense RNA 1; minus strand). Cytogenetic location: 15q26.3.
Variant type: single nucleotide variant.
Coding change: c.4532C>T on transcript NM_024652.6 (MANE Select); coding-DNA position 4532, C replaced by T.
Protein change: p.Pro1511Leu; replaces proline 1511 with leucine.
Molecular consequence: missense variant.
Genome position (GRCh38, 1-based): chr15:101,057,994, C>T. VCF-style: chr15-101057994-C-T. GRCh37 (hg19) VCF-style: chr15-101598199-C-T.
Other names: short protein forms P1511L.
Identifiers: ClinVar variation 4846840 (VCV004846840.1).